The following is an entry in ClinVar:

NM_001368894.2(PAX6):c.114_117del (p.Pro39fs)

Gene: PAX6 (paired box 6; minus strand). Cytogenetic location: 11p13.
Variant type: Deletion.
Coding change: c.114_117del on transcript NM_001368894.2 (MANE Select); coding-DNA positions 114 to 117, 4 bases deleted (GCCG; older notation c.114_117delGCCG).
Protein change: p.Pro39fs; shifts the reading frame from proline 39.
Molecular consequence: frameshift variant. On other transcripts: 5 prime UTR variant (12), non-coding transcript variant (2), intron variant (2).
Genome position (GRCh38, 1-based): chr11:31,802,728-31,802,731, CGGC deleted on the plus strand (GCCG on the coding strand, the reverse complement: PAX6 is on the minus strand); deleting any 4 consecutive bases within chr11:31,802,728-31,802,734 gives the same sequence; the c. name uses the placement nearest the transcript's 3' end. VCF-style (leftmost placement, unchanged base first): chr11-31802727-ACGGC-A. GRCh37 (hg19) VCF-style: chr11-31824275-ACGGC-A.
Other names: c.114_117del, p.Pro39fs (NM_000280.6, NM_001127612.3, NM_001258462.3 and 30 more transcripts); c.-668_-665del (NM_001310160.2, NM_001368905.2); c.-337_-334del (NM_001310161.3, NM_001368900.2, NM_001368903.2 and 2 more transcripts); c.-295_-292del (NM_001368899.2, NM_001368901.2, NM_001368906.2 and 1 more transcripts); c.-626_-623del (NM_001368902.2); c.357_360del, p.Pro120fs (NM_001368910.2); c.117_120del, p.Pro40fs (NM_001368911.2); c.-267-955_-267-952del (NM_001368909.2, NM_001368904.2); short protein forms P120fs, P39fs, P40fs.
Identifiers: ClinVar variation 4871859 (VCV004871859.1).

ClinVar aggregate classification (germline): Pathogenic (1 of 4 stars; one submission).

Conditions:
Aniridia 1 (AN1). Identifiers: Orphanet 250923, MedGen C0344542, MONDO:0024507, OMIM 106210.

Submission:

Department of Ophthalmology, Graduate School of Medicine, The University of Osaka
Classification: Pathogenic for Aniridia 1. Last evaluated: 2026-07-08. Review status: criteria provided, single submitter. Criteria: ACMG Guidelines, 2015. Collection method: clinical testing. Allele origin: germline. Affected: yes. Observed: 1 variant allele.
Comment: This variant introduces a premature termination codon, predicted to result in nonsense-mediated mRNA decay and loss of function of PAX6 (PVS1).